The following is an entry in ClinVar:

ClinVar aggregate classification (germline): Uncertain significance (1 of 4 stars; one submission).

Allele frequency attached by ClinVar (database versions not stated): gnomAD 0.00001; TOPMed 0.00001; gnomAD exomes 0.00002 and 0.00003.

Submission:

Labcorp Genetics (formerly Invitae), Labcorp
Classification: Uncertain significance. Last evaluated: 2022-07-25. Review status: criteria provided, single submitter. Criteria: Invitae Variant Classification Sherloc (09022015). Collection method: clinical testing. Allele origin: germline.
Comment: In summary, the available evidence is currently insufficient to determine the role of this variant in disease. Therefore, it has been classified as a Variant of Uncertain Significance. Algorithms developed to predict the effect of missense changes on protein structure and function are either unavailable or do not agree on the potential impact of this missense change (SIFT: "Deleterious"; PolyPhen-2: "Probably Damaging"; Align-GVGD: "Class C0"). ClinVar contains an entry for this variant (Variation ID: 1496265). This variant has not been reported in the literature in individuals affected with CFAP410-related conditions. The frequency data for this variant in the population databases is considered unreliable, as metrics indicate poor data quality at this position in the gnomAD database. This sequence change replaces arginine, which is basic and polar, with tryptophan, which is neutral and slightly polar, at codon 5 of the CFAP410 protein (p.Arg5Trp).

NM_004928.3(CFAP410):c.13C>T (p.Arg5Trp)

Genes: CFAP410 (cilia and flagella associated protein 410; minus strand), LOC130066823 (ATAC-STARR-seq lymphoblastoid silent region 13383; plus strand). Cytogenetic location: 21q22.3.
Variant type: single nucleotide variant.
Coding change: c.13C>T on transcript NM_004928.3 (MANE Select); coding-DNA position 13, C replaced by T.
Protein change: p.Arg5Trp; replaces arginine 5 with tryptophan.
Molecular consequence: missense variant.
Genome position (GRCh38, 1-based): chr21:44,339,182, G>A on the plus strand (C>T on the coding strand, the complement: CFAP410 is on the minus strand). VCF-style: chr21-44339182-G-A. GRCh37 (hg19) VCF-style: chr21-45759065-G-A.
Other names: c.13C>T, p.Arg5Trp (NM_001271440.2, NM_001271441.2); short protein forms R5W.
Identifiers: ClinVar variation 1496265 (VCV001496265.8), dbSNP rs955402552, ClinGen allele CA321788210.